The following is an entry in ClinVar:

ClinVar aggregate classification (germline): Uncertain significance (1 of 4 stars; one submission).

Conditions:
Loeys-Dietz syndrome 4 (LDS4). Also called: ANEURYSM, AORTIC AND CEREBRAL, WITH ARTERIAL TORTUOSITY AND SKELETAL MANIFESTATIONS; TGFB2-Related Loeys-Dietz Syndrome. Identifiers: MedGen C3553762, MONDO:0013897, OMIM 614816.

Submission:

Labcorp Genetics (formerly Invitae), Labcorp
Classification: Uncertain significance for Loeys-Dietz syndrome 4. Last evaluated: 2021-01-30. Review status: criteria provided, single submitter. Criteria: Invitae Variant Classification Sherloc (09022015). Collection method: clinical testing. Allele origin: germline.
Comment: In summary, the available evidence is currently insufficient to determine the role of this variant in disease. Therefore, it has been classified as a Variant of Uncertain Significance. Advanced modeling of protein sequence and biophysical properties (such as structural, functional, and spatial information, amino acid conservation, physicochemical variation, residue mobility, and thermodynamic stability) performed at Invitae indicates that this missense variant is expected to disrupt TGFB2 protein function. This variant has not been reported in the literature in individuals with TGFB2-related conditions. This variant is not present in population databases (ExAC no frequency). This sequence change replaces isoleucine with threonine at codon 324 of the TGFB2 protein (p.Ile324Thr). The isoleucine residue is highly conserved and there is a moderate physicochemical difference between isoleucine and threonine.

NM_003238.6(TGFB2):c.971T>C (p.Ile324Thr)

Gene: TGFB2 (transforming growth factor beta 2; plus strand). Cytogenetic location: 1q41.
Variant type: single nucleotide variant.
Coding change: c.971T>C on transcript NM_003238.6 (MANE Select); coding-DNA position 971, T replaced by C.
Protein change: p.Ile324Thr; replaces isoleucine 324 with threonine.
Molecular consequence: missense variant. On other transcripts: non-coding transcript variant (2).
Genome position (GRCh38, 1-based): chr1:218,437,381, T>C. VCF-style: chr1-218437381-T-C. GRCh37 (hg19) VCF-style: chr1-218610723-T-C.
Other names: c.1055T>C, p.Ile352Thr (NM_001135599.4); short protein forms I324T, I352T.
Identifiers: ClinVar variation 1062778 (VCV001062778.11), dbSNP rs2102630032, ClinGen allele CA344727471.